The following is an entry in ClinVar:

NM_000138.5(FBN1):c.577del (p.Gln193fs)

Gene: FBN1 (fibrillin 1; minus strand). Cytogenetic location: 15q21.1.
Variant type: Deletion.
Coding change: c.577del on transcript NM_000138.5 (MANE Select); coding-DNA position 577, one base deleted (C; older notation c.577delC).
Protein change: p.Gln193fs; shifts the reading frame from glutamine 193.
Molecular consequence: frameshift variant.
Genome position (GRCh38, 1-based): chr15:48,537,770, G deleted on the plus strand (C on the coding strand, the reverse complement: FBN1 is on the minus strand); the first of 2 consecutive G bases (chr15:48,537,770-48,537,771); deleting either gives the same sequence. VCF-style (leftmost placement, unchanged base first): chr15-48537769-TG-T. GRCh37 (hg19) VCF-style: chr15-48829966-TG-T.
Other names: short protein forms Q193fs.
Identifiers: ClinVar variation 549303 (VCV000549303.18), dbSNP rs1555401697, ClinGen allele CA658824888.
Genomic context (GRCh38, chr15:48,537,769, plus strand): 5'-ACTGTGGCACAGCAGAGCGTTTTTGTGCAGACAATCCCGCTGAGTTGTCCCTGGCACATC[TG>T]GTTGCTGATCACAGTAAAACATGGGCCTGTCCTGTAATCTGAAAATAAAGAATAAAAATC-3'

ClinVar aggregate classification (germline): Pathogenic. Review status: criteria provided, single submitter (1 of 4 stars). 2 submissions from 2 submitters: Pathogenic (1). 1 of the submissions does not count toward it. Last evaluated 2021-03-01.

Conditions:
Marfan syndrome (MFS). Also called: Marfan syndrome type 1; Marfan syndrome, classic; Marfan's syndrome; FBN1-Related Marfan Syndrome; MARFAN SYNDROME, TYPE I. Identifiers: Orphanet 284963, Orphanet 558, MedGen C0024796, MONDO:0007947, OMIM 154700.

Submissions (2):

Centre of Medical Genetics, University of Antwerp
Classification: Pathogenic for Marfan syndrome. Last evaluated: 2021-03-01. Review status: criteria provided, single submitter. Criteria: Submitter's publication. Collection method: research. Allele origin: unknown. Affected: yes. Observed: 2 variant alleles.
Comment: PM2, PVS1, PP1, PP4

Center for Medical Genetics Ghent, University of Ghent
Classification: Likely pathogenic for Marfan syndrome. Last evaluated: 2017-11-07. Review status: no assertion criteria provided. Collection method: clinical testing. Allele origin: germline. Affected: yes. Not counted in ClinVar's aggregate classification.